The following is an entry in ClinVar:

ClinVar aggregate classification (germline): Likely pathogenic. Review status: criteria provided, multiple submitters, no conflicts (2 of 4 stars). 3 submissions from 3 submitters: Likely pathogenic (2). 1 of the submissions does not count toward it. Last evaluated 2025-01-30.

Conditions:
Cardiovascular phenotype. Identifiers: MedGen CN230736.
Autosomal recessive limb-girdle muscular dystrophy type 2J (LGMDR10). Also called: Limb-girdle muscular dystrophy, type 2J; MUSCULAR DYSTROPHY, LIMB-GIRDLE, AUTOSOMAL RECESSIVE 10. Identifiers: Orphanet 140922, MedGen C1837342, MONDO:0012127, OMIM 608807.
Dilated cardiomyopathy 1G (CMD1G). Identifiers: Orphanet 154, MedGen C1858763, MONDO:0011400, OMIM 604145.
Hypertrophic cardiomyopathy 9. Also called: Familial hypertrophic cardiomyopathy 9. Identifiers: MedGen C1861065, MONDO:0013412, OMIM 613765.

Submissions (3):

Labcorp Genetics (formerly Invitae), Labcorp
Classification: Likely pathogenic for Dilated cardiomyopathy 1G; Autosomal recessive limb-girdle muscular dystrophy type 2J. Last evaluated: 2025-01-30. Review status: criteria provided, single submitter. Criteria: Invitae Variant Classification Sherloc (09022015). Collection method: clinical testing. Allele origin: germline.
Comment: This sequence change creates a premature translational stop signal (p.Lys24030*) in the TTN gene. While this is not anticipated to result in nonsense mediated decay, it is expected to create a truncated TTN protein. This variant is not present in population databases (gnomAD no frequency). This variant has not been reported in the literature in individuals affected with TTN-related conditions. ClinVar contains an entry for this variant (Variation ID: 830238). This variant is located in the A band of TTN (PMID: 25589632). Truncating variants in this region are significantly overrepresented in patients affected with dilated cardiomyopathy (PMID: 25589632). Truncating variants in this region have also been reported in individuals affected with autosomal recessive centronuclear myopathy (PMID: 23975875). In summary, the currently available evidence indicates that the variant is pathogenic, but additional data are needed to prove that conclusively. Therefore, this variant has been classified as Likely Pathogenic.

Ambry Genetics
Classification: Likely pathogenic for Cardiovascular phenotype. Last evaluated: 2021-02-22. Review status: criteria provided, single submitter. Criteria: Ambry Variant Classification Scheme 2023. Collection method: clinical testing. Allele origin: germline.
Comment: The p.K14965* variant (also known as c.44893A>T), located in coding exon 153 of the TTN gene, results from an A to T substitution at nucleotide position 44893. This changes the amino acid from a lysine to a stop codon within coding exon 153. This exon is located in the A-band region of the N2-B isoform of the titin protein and is constitutively expressed in TTN transcripts (percent spliced in or PSI 100%). This alteration is expected to result in loss of function by premature protein truncation or nonsense-mediated mRNA decay. While truncating variants in TTN are present in 1-3% of the general population, truncating variants in the A-band are the most common cause of dilated cardiomyopathy (DCM) (Herman DS et al. N. Engl. J. Med., 2012 Feb;366:619-28; Roberts AM et al. Sci Transl Med, 2015 Jan;7:270ra6). TTN truncating variants encoded in constitutive exons (PSI >90%) have been found to be significantly associated with DCM regardless of their position in titin (Schafer S et al. Nat. Genet., 2017 01;49:46-53). As such, this alteration is classified as likely pathogenic.

Genatak
Classification: Likely pathogenic for Hypertrophic cardiomyopathy 9. Last evaluated: 2019-02-14. Review status: no assertion criteria provided. Collection method: clinical testing. Allele origin: unknown. Affected: yes. Observed: 1 heterozygote. Not counted in ClinVar's aggregate classification.

Literature cited by the submitters: PubMed 25589632 (cited by Labcorp Genetics (formerly Invitae), Labcorp); PubMed 23975875 (cited by Labcorp Genetics (formerly Invitae), Labcorp).

NM_001267550.2(TTN):c.72088A>T (p.Lys24030Ter)

Genes: TTN-AS1 (TTN antisense RNA 1; plus strand), TTN (titin; minus strand). Cytogenetic location: 2q31.2.
Variant type: single nucleotide variant.
Coding change: c.72088A>T on transcript NM_001267550.2 (MANE Select); coding-DNA position 72088, A replaced by T.
Protein change: p.Lys24030Ter; replaces lysine 24030 with a stop codon.
Molecular consequence: nonsense.
Genome position (GRCh38, 1-based): chr2:178,574,044, T>A on the plus strand (A>T on the coding strand, the complement: TTN is on the minus strand). VCF-style: chr2-178574044-T-A. GRCh37 (hg19) VCF-style: chr2-179438771-T-A.
Other names: c.67165A>T, p.Lys22389Ter (NM_001256850.1); c.44893A>T, p.Lys14965Ter (NM_003319.4); c.64384A>T, p.Lys21462Ter (NM_133378.4); c.45268A>T, p.Lys15090Ter (NM_133432.3); c.45469A>T, p.Lys15157Ter (NM_133437.4); short protein forms K14965*, K15090*, K15157*, K21462*, K22389*, K24030*.
Identifiers: ClinVar variation 830238 (VCV000830238.6), dbSNP rs1709195189, ClinGen allele CA349648618.